The following is an entry in ClinVar:

NM_177438.3(DICER1):c.4013C>G (p.Ala1338Gly)

Gene: DICER1 (dicer 1, ribonuclease III; minus strand). Cytogenetic location: 14q32.13.
Variant type: single nucleotide variant.
Coding change: c.4013C>G on transcript NM_177438.3 (MANE Select); coding-DNA position 4013, C replaced by G.
Protein change: p.Ala1338Gly; replaces alanine 1338 with glycine.
Molecular consequence: missense variant. On other transcripts: non-coding transcript variant (6).
Genome position (GRCh38, 1-based): chr14:95,103,383, G>C on the plus strand (C>G on the coding strand, the complement: DICER1 is on the minus strand). VCF-style: chr14-95103383-G-C. GRCh37 (hg19) VCF-style: chr14-95569720-G-C.
Other names: c.4013C>G, p.Ala1338Gly (NM_001195573.1, NM_001271282.3, NM_001291628.2 and 13 more transcripts); c.3731C>G, p.Ala1244Gly (NM_001395686.1); c.3608C>G, p.Ala1203Gly (NM_001395687.1, NM_001395688.1, NM_001395689.1 and 2 more transcripts); c.3446C>G, p.Ala1149Gly (NM_001395691.1); c.2330C>G, p.Ala777Gly (NM_001395697.1); short protein forms A1203G, A1244G, A1338G, A777G, A1149G.
Identifiers: ClinVar variation 2123748 (VCV002123748.7), dbSNP rs766732310, ClinGen allele CA390872955.

ClinVar aggregate classification (germline): Uncertain significance. Review status: criteria provided, multiple submitters, no conflicts (2 of 4 stars). 3 submissions from 3 submitters: Uncertain significance (3). Last evaluated 2025-11-23.

Conditions:
DICER1-related tumor predisposition. Also called: DICER1 syndrome; DICER1-related pleuropulmonary blastoma cancer predisposition syndrome. Identifiers: Orphanet 284343, MedGen C3839822, MONDO:0100216.
Hereditary cancer-predisposing syndrome. Also called: Hereditary Cancer Syndrome; Neoplastic Syndromes, Hereditary; Hereditary neoplastic syndrome; Tumor predisposition. Identifiers: Orphanet 140162, MedGen C0027672, MeSH D009386, MONDO:0015356.

Allele frequency attached by ClinVar (database versions not stated): gnomAD 0.00001.
gnomAD v4.1: 1 of 1,614,044 alleles (0.000062%); highest among the groups gnomAD compares: Admixed American, 0.0017%; no homozygotes.

Submissions (3):

Labcorp Genetics (formerly Invitae), Labcorp
Classification: Uncertain significance for DICER1-related tumor predisposition. Last evaluated: 2025-11-23. Review status: criteria provided, single submitter. Criteria: Invitae Variant Classification Sherloc (09022015). Collection method: clinical testing. Allele origin: germline.
Comment: This sequence change replaces alanine, which is neutral and non-polar, with glycine, which is neutral and non-polar, at codon 1338 of the DICER1 protein (p.Ala1338Gly). This variant is not present in population databases (gnomAD no frequency). This variant has not been reported in the literature in individuals affected with DICER1-related conditions. ClinVar contains an entry for this variant (Variation ID: 2123748). Invitae Evidence Modeling of protein sequence and biophysical properties (such as structural, functional, and spatial information, amino acid conservation, physicochemical variation, residue mobility, and thermodynamic stability) indicates that this missense variant is not expected to disrupt DICER1 protein function with a negative predictive value of 95%. In summary, the available evidence is currently insufficient to determine the role of this variant in disease. Therefore, it has been classified as a Variant of Uncertain Significance.

Hereditary Cancer Group, L’Institut d'Investigació Biomèdica de Bellvitge
Classification: Uncertain significance for Hereditary cancer-predisposing syndrome. Last evaluated: 2024-12-19. Review status: criteria provided, single submitter. Criteria: Hatton et al. (Hum Mutat. 2023). Collection method: clinical testing. Allele origin: germline. Inheritance: Autosomal dominant inheritance. Affected: yes.
Comment: BP4

Ambry Genetics
Classification: Uncertain significance for Hereditary cancer-predisposing syndrome. Last evaluated: 2023-03-14. Review status: criteria provided, single submitter. Criteria: Ambry Variant Classification Scheme 2023. Collection method: clinical testing. Allele origin: germline.
Comment: The p.A1338G variant (also known as c.4013C>G), located in coding exon 20 of the DICER1 gene, results from a C to G substitution at nucleotide position 4013. The alanine at codon 1338 is replaced by glycine, an amino acid with similar properties. This amino acid position is conserved. In addition, the in silico prediction for this alteration is inconclusive. Since supporting evidence is limited at this time, the clinical significance of this alteration remains unclear.